The following is an entry in ClinVar:

ClinVar aggregate classification (germline): Benign. Review status: criteria provided, multiple submitters, no conflicts (2 of 4 stars). 4 submissions from 4 submitters: Benign (3). 1 of the submissions does not count toward it. Last evaluated 2026-02-02.

Conditions:
ERBIN-related disorder. Also called: ERBIN-related condition.

Allele frequency attached by ClinVar (database versions not stated): 1000 Genomes Project 30x 0.00484; 1000 Genomes Project 0.00499; TOPMed 0.00654; ESP Exome Variant Server 0.00810; gnomAD 0.00815 and 0.00843; gnomAD exomes 0.00921 and 0.00961; ExAC 0.00983.
gnomAD v4.1: 15,163 of 1,606,890 alleles (0.94%); highest among the groups gnomAD compares: Non-Finnish European, 1%; 95 homozygotes.

Submissions (4):

Labcorp Genetics (formerly Invitae), Labcorp
Classification: Benign. Last evaluated: 2026-02-02. Review status: criteria provided, single submitter. Criteria: Invitae Variant Classification Sherloc (09022015). Collection method: clinical testing. Allele origin: germline.

CeGaT Center for Human Genetics Tuebingen
Classification: Benign. Last evaluated: 2023-01-01. Review status: criteria provided, single submitter. Criteria: CeGaT Center For Human Genetics Tuebingen Variant Classification Criteria Version 2. Collection method: clinical testing. Allele origin: germline. Affected: yes. Observed: 2 variant alleles.
Comment: ERBIN: BP4, BS1, BS2

Breakthrough Genomics
Classification: Benign. Review status: criteria provided, single submitter. Criteria: ACMG Guidelines, 2015. Collection method: not provided. Allele origin: germline. Inheritance: Unknown mechanism. Affected: yes.

PreventionGenetics, part of Exact Sciences
Classification: Likely benign for ERBIN-related condition. Last evaluated: 2019-10-10. Review status: no assertion criteria provided. Collection method: clinical testing. Allele origin: germline. Not counted in ClinVar's aggregate classification.
Comment: This variant is classified as likely benign based on ACMG/AMP sequence variant interpretation guidelines (Richards et al. 2015 PMID: 25741868, with internal and published modifications).

NM_001253697.2(ERBIN):c.355A>G (p.Ile119Val)

Gene: ERBIN (erbb2 interacting protein; plus strand). Cytogenetic location: 5q12.3.
Variant type: single nucleotide variant.
Coding change: c.355A>G on transcript NM_001253697.2 (MANE Select); coding-DNA position 355, A replaced by G.
Protein change: p.Ile119Val; replaces isoleucine 119 with valine.
Molecular consequence: missense variant.
Genome position (GRCh38, 1-based): chr5:66,012,096, A>G. VCF-style: chr5-66012096-A-G. GRCh37 (hg19) VCF-style: chr5-65307924-A-G.
Other names: c.355A>G (NM_001006600.2); c.355A>G, p.Ile119Val (NM_001006600.3, NM_001253698.2, NM_001253699.2 and 2 more transcripts); short protein forms I119V.
Identifiers: ClinVar variation 778867 (VCV000778867.36), dbSNP rs61758158, ClinGen allele CA3285900.